The following is an entry in ClinVar:

ClinVar aggregate classification (germline): Uncertain significance (1 of 4 stars; one submission).

Conditions:
Autosomal recessive limb-girdle muscular dystrophy type 2P. Also called: MUSCULAR DYSTROPHY-DYSTROGLYCANOPATHY, LIMB-GIRDLE, DAG1-RELATED; Limb-Girdle Muscular Dystrophy Type 9C; MUSCULAR DYSTROPHY, LIMB-GIRDLE, TYPE 2P. Identifiers: Orphanet 280333, MedGen C4511963, MONDO:0013440, OMIM 613818.
Muscular dystrophy-dystroglycanopathy (congenital with brain and eye anomalies), type A9. Also called: Muscular dystrophy-dystroglycanopathy (congenital with brain and eye anomalies), type a, 9; WALKER-WARBURG SYNDROME OR MUSCLE-EYE BRAIN DISEASE, DAG1-RELATED. Identifiers: Orphanet 370997, Orphanet 899, MedGen C4225291, MONDO:0014683, OMIM 616538.

gnomAD v4.1: 4 of 1,614,018 alleles (0.00025%); highest among the groups gnomAD compares: Admixed American, 0.0033%; no homozygotes.

Submission:

Labcorp Genetics (formerly Invitae), Labcorp
Classification: Uncertain significance for Autosomal recessive limb-girdle muscular dystrophy type 2P; Muscular dystrophy-dystroglycanopathy (congenital with brain and eye anomalies), type A9. Last evaluated: 2022-06-20. Review status: criteria provided, single submitter. Criteria: Invitae Variant Classification Sherloc (09022015). Collection method: clinical testing. Allele origin: germline.
Comment: This sequence change replaces leucine, which is neutral and non-polar, with phenylalanine, which is neutral and non-polar, at codon 19 of the DAG1 protein (p.Leu19Phe). This variant is not present in population databases (gnomAD no frequency). This variant has not been reported in the literature in individuals affected with DAG1-related conditions. Algorithms developed to predict the effect of missense changes on protein structure and function output the following: SIFT: "Tolerated"; PolyPhen-2: "Benign"; Align-GVGD: "Class C0". The phenylalanine amino acid residue is found in multiple mammalian species, which suggests that this missense change does not adversely affect protein function. In summary, the available evidence is currently insufficient to determine the role of this variant in disease. Therefore, it has been classified as a Variant of Uncertain Significance.

NM_004393.6(DAG1):c.55C>T (p.Leu19Phe)

Gene: DAG1 (dystroglycan 1; plus strand). Cytogenetic location: 3p21.31.
Variant type: single nucleotide variant.
Coding change: c.55C>T on transcript NM_004393.6 (MANE Select); coding-DNA position 55, C replaced by T.
Protein change: p.Leu19Phe; replaces leucine 19 with phenylalanine.
Molecular consequence: missense variant.
Genome position (GRCh38, 1-based): chr3:49,510,589, C>T. VCF-style: chr3-49510589-C-T. GRCh37 (hg19) VCF-style: chr3-49548022-C-T.
Other names: c.55C>T, p.Leu19Phe (NM_001165928.4, NM_001177634.3, NM_001177635.3 and 9 more transcripts); short protein forms L19F.
Identifiers: ClinVar variation 1417879 (VCV001417879.3), dbSNP rs2107647080, ClinGen allele CA352800092.